The following is an entry in ClinVar:

ClinVar aggregate classification (germline): Likely benign (0 of 4 stars; one submission).

Conditions:
TWNK-related disorder. Also called: TWNK-related condition.

Allele frequency attached by ClinVar (database versions not stated): gnomAD exomes below 0.00001.
gnomAD v4.1: 2 of 1,614,190 alleles (0.00012%); highest among the groups gnomAD compares: Non-Finnish European, 0.00017%; no homozygotes.

Submission:

PreventionGenetics, part of Exact Sciences
Classification: Likely benign for TWNK-related condition. Last evaluated: 2020-03-23. Review status: no assertion criteria provided. Collection method: clinical testing. Allele origin: germline.
Comment: This variant is classified as likely benign based on ACMG/AMP sequence variant interpretation guidelines (Richards et al. 2015 PMID: 25741868, with internal and published modifications).

NM_021830.5(TWNK):c.33C>A (p.Leu11=)

Gene: TWNK (twinkle mtDNA helicase; plus strand). Cytogenetic location: 10q24.31.
Variant type: single nucleotide variant.
Coding change: c.33C>A on transcript NM_021830.5 (MANE Select); coding-DNA position 33, C replaced by A.
Protein change: p.Leu11=; no amino-acid change (leucine 11 retained).
Molecular consequence: synonymous variant. On other transcripts: non-coding transcript variant (4), intron variant (3).
Genome position (GRCh38, 1-based): chr10:100,988,243, C>A. VCF-style: chr10-100988243-C-A. GRCh37 (hg19) VCF-style: chr10-102748000-C-A.
Other names: c.33C>A, p.Leu11= (NM_001163812.2); c.-120+630C>A (NM_001163814.2, NM_001163813.2); c.-58+630C>A (NM_001368275.1).
Identifiers: ClinVar variation 3047162 (VCV003047162.2), dbSNP rs1161034925, ClinGen allele CA471268232.